The following is an entry in ClinVar:

NM_001358921.2(COQ2):c.1007A>G (p.Asn336Ser)

Gene: COQ2 (coenzyme Q2, polyprenyltransferase; minus strand). Cytogenetic location: 4q21.23.
Variant type: single nucleotide variant.
Coding change: c.1007A>G on transcript NM_001358921.2 (MANE Select); coding-DNA position 1007, A replaced by G.
Protein change: p.Asn336Ser; replaces asparagine 336 with serine.
Molecular consequence: missense variant.
Genome position (GRCh38, 1-based): chr4:83,264,308, T>C on the plus strand (A>G on the coding strand, the complement: COQ2 is on the minus strand). VCF-style: chr4-83264308-T-C. GRCh37 (hg19) VCF-style: chr4-84185461-T-C.
Other names: c.1157A>G, p.Asn386Ser (NM_015697.9); short protein forms N386S, N336S.
Identifiers: ClinVar variation 1368793 (VCV001368793.5), dbSNP rs1553914150, ClinGen allele CA357227961.
Genomic context (GRCh38, chr4:83,264,308, plus strand): 5'-TTTTCTTTCCACAAATTCCCAAGGACAATCCCTAAAAAAACTATTAGTCCCAGTGTTCGG[T>C]TGGAGATAAATTTATTCCAACAATCCTCAGGTCTGTGGATGTCTAGAGTGTAAATCTGCA-3'
Protein context (NP_001345850.1, residues 326-346): PEDCWNKFIS[Asn336Ser]RTLGLIVFLG

ClinVar aggregate classification (germline): Uncertain significance. Review status: criteria provided, multiple submitters, no conflicts (2 of 4 stars). 3 submissions from 3 submitters: Uncertain significance (3). Last evaluated 2026-08-06.

Conditions:
Coenzyme Q10 deficiency, primary, 1. Also called: UBIQUINONE DEFICIENCY 1; COENZYME Q DEFICIENCY 1; CoQ DEFICIENCY 1. Identifiers: Orphanet 255249, MedGen C3551954, MONDO:0011829, OMIM 607426.

Allele frequency attached by ClinVar (database versions not stated): gnomAD exomes below 0.00001.

Submissions (3):

OLLIN Analises Genomicas, OLLIN
Classification: Uncertain significance for Coenzyme Q10 deficiency, primary, 1. Last evaluated: 2026-08-06. Review status: criteria provided, single submitter. Criteria: ACMG Guidelines 2015 PMID 25741868. Collection method: clinical testing. Allele origin: germline. Inheritance: Autosomal recessive inheritance.
Comment: This missense variant, located in exon 7 (of 7), has been reported in ClinVar (accession VCV001368793.3) and in gnomAD with an allele frequency of 0.00037%. However, to our knowledge, it has not been reported in the scientific literature. In silico analysis is inconclusive regarding the impact of this variant. According to the currently available evidence, this variant has been classified as uncertain significance (PM2_P).

Blueprint Genetics
Classification: Uncertain significance. Last evaluated: 2024-02-16. Review status: criteria provided, single submitter. Criteria: ACMG Guidelines, 2015. Collection method: clinical testing. Allele origin: germline.

Labcorp Genetics (formerly Invitae), Labcorp
Classification: Uncertain significance. Last evaluated: 2021-11-27. Review status: criteria provided, single submitter. Criteria: Invitae Variant Classification Sherloc (09022015). Collection method: clinical testing. Allele origin: germline.
Comment: This sequence change replaces asparagine, which is neutral and polar, with serine, which is neutral and polar, at codon 386 of the COQ2 protein (p.Asn386Ser). This variant is not present in population databases (gnomAD no frequency). This variant has not been reported in the literature in individuals affected with COQ2-related conditions. Algorithms developed to predict the effect of missense changes on protein structure and function are either unavailable or do not agree on the potential impact of this missense change (SIFT: "Deleterious"; PolyPhen-2: "Probably Damaging"; Align-GVGD: "Class C0"). Algorithms developed to predict the effect of sequence changes on RNA splicing suggest that this variant may create or strengthen a splice site. In summary, the available evidence is currently insufficient to determine the role of this variant in disease. Therefore, it has been classified as a Variant of Uncertain Significance.